The following is an entry in ClinVar:

NM_015100.4(POGZ):c.2080C>T (p.Arg694Ter)

Gene: POGZ (pogo transposable element derived with ZNF domain; minus strand). Cytogenetic location: 1q21.3.
Variant type: single nucleotide variant.
Coding change: c.2080C>T on transcript NM_015100.4 (MANE Select); coding-DNA position 2080, C replaced by T.
Protein change: p.Arg694Ter; replaces arginine 694 with a stop codon.
Molecular consequence: nonsense.
Genome position (GRCh38, 1-based): chr1:151,408,563, G>A on the plus strand (C>T on the coding strand, the complement: POGZ is on the minus strand). VCF-style: chr1-151408563-G-A. GRCh37 (hg19) VCF-style: chr1-151381039-G-A.
Other names: c.2053C>T, p.Arg685Ter (NM_001194937.2); c.1894C>T, p.Arg632Ter (NM_001194938.2); c.2101C>T, p.Arg701Ter (NM_001410860.1); c.1795C>T, p.Arg599Ter (NM_145796.4); c.1921C>T, p.Arg641Ter (NM_207171.2); c.2080C>T (NM_015100.3); short protein forms R599*, R632*, R641*, R685*, R694*, R701*.
Identifiers: ClinVar variation 4056744 (VCV004056744.3).

ClinVar aggregate classification (germline): Pathogenic/Likely pathogenic. Review status: criteria provided, multiple submitters, no conflicts (2 of 4 stars). 3 submissions from 3 submitters: Pathogenic (2); Likely pathogenic (1). Last evaluated 2026-01-24.

Conditions:
Intellectual disability-microcephaly-strabismus-behavioral abnormalities syndrome. Also called: White-Sutton Syndrome. Identifiers: Orphanet 468678, MedGen C4225351, MONDO:0014606, OMIM 616364.
POGZ-related disorder. Also called: POGZ-related condition.

Submissions (3):

GeneDx
Classification: Pathogenic. Last evaluated: 2026-01-24. Review status: criteria provided, single submitter. Criteria: GeneDx Variant Classification Process June 2021. Collection method: clinical testing. Allele origin: germline.
Comment: Nonsense variant predicted to result in protein truncation or nonsense mediated decay in a gene for which loss of function is a known mechanism of disease; Not observed at significant frequency in large population cohorts (gnomAD); This variant is associated with the following publications: (PMID: 35982160, 35982159, 38958063, 34645992)

Laboratorio de Genetica e Diagnostico Molecular, Hospital Israelita Albert Einstein
Classification: Likely pathogenic for Intellectual disability-microcephaly-strabismus-behavioral abnormalities syndrome. Last evaluated: 2024-10-11. Review status: criteria provided, single submitter. Criteria: ACMG Guidelines, 2015. Collection method: clinical testing. Allele origin: germline. Affected: yes.
Comment: ACMG classification criteria: PVS1 very strong, PM2 supporting

Blueprint Genetics
Classification: Pathogenic for POGZ-related disorders. Last evaluated: 2023-02-14. Review status: criteria provided, single submitter. Criteria: ACMG Guidelines, 2015. Collection method: clinical testing. Allele origin: de novo. Affected: yes. Observed: 2 variant alleles.